The following is an entry in ClinVar:

ClinVar aggregate classification (germline): Uncertain significance (1 of 4 stars; one submission).

Conditions:
Hereditary cancer-predisposing syndrome. Also called: Neoplastic Syndromes, Hereditary; Tumor predisposition; Hereditary neoplastic syndrome; Hereditary Cancer Syndrome. Identifiers: Orphanet 140162, MedGen C0027672, MeSH D009386, MONDO:0015356.

Submission:

Ambry Genetics
Classification: Uncertain significance for Hereditary cancer-predisposing syndrome. Last evaluated: 2026-07-06. Review status: criteria provided, single submitter. Criteria: Ambry Variant Classification Scheme 2023. Collection method: clinical testing. Allele origin: germline.
Comment: The p.I1034F variant (also known as c.3100A>T), located in coding exon 10 of the BRCA2 gene, results from an A to T substitution at nucleotide position 3100. The isoleucine at codon 1034 is replaced by phenylalanine, an amino acid with highly similar properties. This amino acid position is conserved. In addition, the in silico prediction for this alteration is inconclusive. Based on the available evidence, the clinical significance of this variant remains unclear.

NM_000059.4(BRCA2):c.3100A>T (p.Ile1034Phe)

Gene: BRCA2 (BRCA2 DNA repair associated; plus strand). Cytogenetic location: 13q13.1.
Variant type: single nucleotide variant.
Coding change: c.3100A>T on transcript NM_000059.4 (MANE Select); coding-DNA position 3100, A replaced by T.
Protein change: p.Ile1034Phe; replaces isoleucine 1034 with phenylalanine.
Molecular consequence: missense variant. On other transcripts: non-coding transcript variant (1), intron variant (2).
Genome position (GRCh38, 1-based): chr13:32,337,455, A>T. VCF-style: chr13-32337455-A-T. GRCh37 (hg19) VCF-style: chr13-32911592-A-T.
Other names: c.3100A>T, p.Ile1034Phe (NM_001406719.1, NM_001406720.1, NM_001432077.1); c.1909+4068A>T (NM_001406721.1); c.424+6425A>T (NM_001406722.1); short protein forms I1034F.
Identifiers: ClinVar variation 5033273 (VCV005033273.1).